The following is an entry in ClinVar:

ClinVar aggregate classification (germline): Uncertain significance (1 of 4 stars; one submission).

Submission:

CeGaT Center for Human Genetics Tuebingen
Classification: Uncertain significance. Last evaluated: 2022-12-01. Review status: criteria provided, single submitter. Criteria: CeGaT Center For Human Genetics Tuebingen Variant Classification Criteria Version 2. Collection method: clinical testing. Allele origin: germline. Affected: yes. Observed: 1 variant allele.
Comment: POLR3A: PM2

NM_007055.4(POLR3A):c.296G>T (p.Arg99Ile)

Genes: POLR3A (RNA polymerase III subunit A; minus strand), LOC126860971 (CDK7 strongly-dependent group 2 enhancer GRCh37_chr10:79784551-79785750; plus strand). Cytogenetic location: 10q22.3.
Variant type: single nucleotide variant.
Coding change: c.296G>T on transcript NM_007055.4 (MANE Select); coding-DNA position 296, G replaced by T.
Protein change: p.Arg99Ile; replaces arginine 99 with isoleucine.
Molecular consequence: missense variant.
Genome position (GRCh38, 1-based): chr10:78,025,644, C>A on the plus strand (G>T on the coding strand, the complement: POLR3A is on the minus strand). VCF-style: chr10-78025644-C-A. GRCh37 (hg19) VCF-style: chr10-79785402-C-A.
Other names: short protein forms R99I.
Identifiers: ClinVar variation 2640626 (VCV002640626.24), dbSNP rs2493244360, ClinGen allele CA377347170.